The following is an entry in ClinVar:

ClinVar aggregate classification (germline): Likely benign (1 of 4 stars; one submission).

Submission:

GeneDx
Classification: Likely benign. Last evaluated: 2018-04-17. Review status: criteria provided, single submitter. Criteria: GeneDx Variant Classification (06012015). Collection method: clinical testing. Allele origin: germline. Affected: yes.
Comment: This variant is considered likely benign or benign based on one or more of the following criteria: it is a conservative change, it occurs at a poorly conserved position in the protein, it is predicted to be benign by multiple in silico algorithms, and/or has population frequency not consistent with disease.

NM_015340.4(LARS2):c.1380C>T (p.Pro460=)

Genes: LARS2 (leucyl-tRNA synthetase 2, mitochondrial; plus strand), LARS2-AS1 (LARS2 antisense RNA 1; minus strand). Cytogenetic location: 3p21.31.
Variant type: single nucleotide variant.
Coding change: c.1380C>T on transcript NM_015340.4 (MANE Select); coding-DNA position 1380, C replaced by T.
Protein change: p.Pro460=; no amino-acid change (proline 460 retained).
Molecular consequence: synonymous variant.
Genome position (GRCh38, 1-based): chr3:45,491,657, C>T. VCF-style: chr3-45491657-C-T. GRCh37 (hg19) VCF-style: chr3-45533149-C-T.
Other names: c.1380C>T, p.Pro460= (NM_001368263.1).
Identifiers: ClinVar variation 681590 (VCV000681590.1), dbSNP rs1575289449, ClinGen allele CA433433544.